The following is an entry in ClinVar:

NM_003001.5(SDHC):c.242-7T>C

Gene: SDHC (succinate dehydrogenase complex subunit C; plus strand). Cytogenetic location: 1q23.3.
Variant type: single nucleotide variant.
Coding change: c.242-7T>C on transcript NM_003001.5 (MANE Select); 7 bases into the intron before coding-DNA position 242, T replaced by C.
Molecular consequence: intron variant.
Genome position (GRCh38, 1-based): chr1:161,356,670, T>C. VCF-style: chr1-161356670-T-C. GRCh37 (hg19) VCF-style: chr1-161326460-T-C.
Other names: c.134-7T>C (NM_001407118.1); c.185-7T>C (NM_001407116.1); c.185-5659T>C (NM_001407121.1); c.179-7T>C (NM_001407117.1); c.83-7T>C (NM_001035513.3); c.362-7T>C (NM_001407115.1); c.242-5659T>C (NM_001035511.3); c.140-7T>C (NM_001035512.3); and 2 more.
Identifiers: ClinVar variation 3074458 (VCV003074458.1), dbSNP rs2526535486, ClinGen allele CA2825000871.
Genomic context (GRCh38, chr1:161,356,670, plus strand): 5'-AGTTTTATGTATCATATTAGTTGTAACTTATGAGCAGCTGTGACAAGCTACTTGGTTTTC[T>C]CCTCAGGGGTCTCTCTTTTTGGCATGTCGGCCCTGTTACTCCCTGGGAACTTTGAGTCTT-3'

ClinVar aggregate classification (germline): Likely benign (1 of 4 stars; one submission).

Conditions:
Hereditary pheochromocytoma and paraganglioma. Also called: Hereditary pheochromocytoma-paraganglioma; Hereditary Paraganglioma-Pheochromocytoma Syndromes; Hereditary paragangliomas and pheochromocytomas. Identifiers: Orphanet 29072, MedGen C4274332, MONDO:0017366.

Submission:

All of Us Research Program, National Institutes of Health
Classification: Likely benign for Hereditary pheochromocytoma and paraganglioma. Last evaluated: 2023-11-20. Review status: criteria provided, single submitter. Criteria: ACMG Guidelines, 2015. Collection method: clinical testing. Allele origin: germline. Inheritance: Autosomal dominant inheritance. Observed: 1 variant allele, 1 heterozygote.
Comment: This study involves interpretation of variants in research participants for the purpose of population health screening. Participant phenotype was not available at the time of variant classification. Additional details can be found in publication PMID: 35346344, PMCID: PMC8962531